The following is an entry in ClinVar:

ClinVar aggregate classification (germline): Likely pathogenic (1 of 4 stars; one submission).

Conditions:
Intellectual developmental disorder, autosomal recessive 44. Also called: Intellectual disability, autosomal recessive 44. Identifiers: Orphanet 88616, MedGen C4014745, MONDO:0014409, OMIM 615942.

Submission:

Victorian Clinical Genetics Services, Murdoch Childrens Research Institute
Classification: Likely pathogenic for Intellectual developmental disorder, autosomal recessive 44. Last evaluated: 2026-03-20. Review status: criteria provided, single submitter. Criteria: ACMG Guidelines, 2015. Collection method: clinical testing. Allele origin: germline. Affected: yes.
Comment: This variant is classified as Likely pathogenic. Evidence in support of pathogenic classification: Variant is predicted to result in a truncated protein (premature termination codon is NOT located at least 54 nucleotides upstream of the final exon-exon junction) with less than 1/3 of the protein sequence affected; Variant is absent from gnomAD (v2, v3 and v4); Other truncating variants comparable to the one identified in this case have moderate previous evidence for pathogenicity. Other truncating variants have been reported as likely pathogenic/pathogenic in ClinVar and in the literature in individuals with autosomal recessive intellectual disability 44 (ClinVar, PMID: 32067349); Strong phenotype match for this individual. Additional information: This variant is homozygous; This gene is associated with autosomal recessive disease; This variant has no previous evidence of pathogenicity; No published evidence of segregation with disease has been identified for this variant; No published functional evidence has been identified for this variant; Loss of function is a known mechanism of disease in this gene and is associated with autosomal recessive intellectual developmental disorder 44 (MIM#615942) - This variant has been shown to be both maternally and paternally inherited (biallelic, by trio analysis).

Literature cited by the submitters: PubMed 32067349.

NM_001080510.5(METTL23):c.409del (p.Ala137fs)

Gene: METTL23 (methyltransferase 23, arginine; plus strand). Cytogenetic location: 17q25.1.
Variant type: Deletion.
Coding change: c.409del on transcript NM_001080510.5 (MANE Select); coding-DNA position 409, one base deleted (G; older notation c.409delG).
Protein change: p.Ala137fs; shifts the reading frame from alanine 137.
Molecular consequence: frameshift variant. On other transcripts: non-coding transcript variant (1).
Genome position (GRCh38, 1-based): chr17:76,733,522, G deleted. VCF-style (leftmost placement, unchanged base first): chr17-76733521-TG-T. GRCh37 (hg19) VCF-style: chr17-74729603-TG-T.
Other names: c.409del, p.Ala137fs (NM_001206983.3, NM_001206984.3, NM_001302703.2 and 2 more transcripts); c.208del, p.Ala70fs (NM_001206985.3, NM_001206986.3, NM_001206987.3 and 2 more transcripts); c.397del, p.Ala133fs (NM_001302705.2, NM_001378350.1, NM_001378351.1 and 2 more transcripts); short protein forms A133fs, A137fs, A70fs.
Identifiers: ClinVar variation 1805419 (VCV001805419.2), dbSNP rs2509733625, ClinGen allele CA2573050727.